The following is an entry in ClinVar:

ClinVar aggregate classification (germline): Likely benign (1 of 4 stars; one submission).

Allele frequency attached by ClinVar (database versions not stated): gnomAD exomes 0.00018; ExAC 0.00027.

Submission:

CeGaT Center for Human Genetics Tuebingen
Classification: Likely benign. Last evaluated: 2025-06-01. Review status: criteria provided, single submitter. Criteria: CeGaT Center For Human Genetics Tuebingen Variant Classification Criteria Version 2. Collection method: clinical testing. Allele origin: germline. Affected: yes. Observed: 2 variant alleles.
Comment: NBPF9: BP4, BP7

NM_001388367.1(NBPF9):c.1152G>A (p.Leu384=)

Gene: NBPF9 (NBPF member 9; minus strand). Cytogenetic location: 1q21.2.
Variant type: single nucleotide variant.
Coding change: c.1152G>A on transcript NM_001388367.1 (MANE Select); coding-DNA position 1152, G replaced by A.
Protein change: p.Leu384=; no amino-acid change (leucine 384 retained).
Molecular consequence: synonymous variant.
Genome position (GRCh38, 1-based): chr1:149,072,872, C>T on the plus strand (G>A on the coding strand, the complement: NBPF9 is on the minus strand). VCF-style: chr1-149072872-C-T. GRCh37 (hg19) VCF-style: chr1-144814740-G-A.
Other names: c.1152G>A, p.Leu384= (NM_001388384.1, NM_001037675.4, NM_001277444.2 and 16 more transcripts).
Identifiers: ClinVar variation 3067318 (VCV003067318.21), dbSNP rs199626513, ClinGen allele CA889065046.